The following is an entry in ClinVar:

NM_000234.3(LIG1):c.2517C>A (p.Ser839Arg)

Gene: LIG1 (DNA ligase 1; minus strand). Cytogenetic location: 19q13.33.
Variant type: single nucleotide variant.
Coding change: c.2517C>A on transcript NM_000234.3 (MANE Select); coding-DNA position 2517, C replaced by A.
Protein change: p.Ser839Arg; replaces serine 839 with arginine.
Molecular consequence: missense variant. On other transcripts: non-coding transcript variant (6).
Genome position (GRCh38, 1-based): chr19:48,117,704, G>T on the plus strand (C>A on the coding strand, the complement: LIG1 is on the minus strand). VCF-style: chr19-48117704-G-T. GRCh37 (hg19) VCF-style: chr19-48620961-G-T.
Other names: c.2424C>A, p.Ser808Arg (NM_001289063.2); c.2313C>A, p.Ser771Arg (NM_001289064.2); c.2514C>A, p.Ser838Arg (NM_001320970.2); c.2427C>A, p.Ser809Arg (NM_001320971.2); short protein forms S808R, S809R, S771R, S839R, S838R.
Identifiers: ClinVar variation 2129773 (VCV002129773.3), dbSNP rs761804615, ClinGen allele CA309280398.

ClinVar aggregate classification (germline): Uncertain significance (1 of 4 stars; one submission).

gnomAD v4.1: 8 of 1,612,772 alleles (0.0005%); highest among the groups gnomAD compares: Non-Finnish European, 0.00068%; no homozygotes.

Submission:

Labcorp Genetics (formerly Invitae), Labcorp
Classification: Uncertain significance. Last evaluated: 2022-04-23. Review status: criteria provided, single submitter. Criteria: Invitae Variant Classification Sherloc (09022015). Collection method: clinical testing. Allele origin: germline.
Comment: In summary, the available evidence is currently insufficient to determine the role of this variant in disease. Therefore, it has been classified as a Variant of Uncertain Significance. Algorithms developed to predict the effect of missense changes on protein structure and function output the following: SIFT: "Tolerated"; PolyPhen-2: "Benign"; Align-GVGD: "Class C0". The arginine amino acid residue is found in multiple mammalian species, which suggests that this missense change does not adversely affect protein function. This variant has not been reported in the literature in individuals affected with LIG1-related conditions. This variant is present in population databases (rs761804615, gnomAD 0.007%). This sequence change replaces serine, which is neutral and polar, with arginine, which is basic and polar, at codon 839 of the LIG1 protein (p.Ser839Arg).